The following is an entry in ClinVar:

ClinVar aggregate classification (germline): Uncertain significance (1 of 4 stars; one submission).

Allele frequency attached by ClinVar (database versions not stated): gnomAD exomes below 0.00001; ExAC 0.00001; gnomAD 0.00001; TOPMed 0.00002.
gnomAD v4.1: 8 of 1,614,106 alleles (0.0005%); highest among the groups gnomAD compares: Admixed American, 0.0017%; no homozygotes.

Submission:

Labcorp Genetics (formerly Invitae), Labcorp
Classification: Uncertain significance. Last evaluated: 2022-11-22. Review status: criteria provided, single submitter. Criteria: Invitae Variant Classification Sherloc (09022015). Collection method: clinical testing. Allele origin: germline.
Comment: In summary, the available evidence is currently insufficient to determine the role of this variant in disease. Therefore, it has been classified as a Variant of Uncertain Significance. This sequence change replaces methionine, which is neutral and non-polar, with valine, which is neutral and non-polar, at codon 358 of the TEAD1 protein (p.Met358Val). This variant is present in population databases (rs764902614, gnomAD 0.004%). This variant has not been reported in the literature in individuals affected with TEAD1-related conditions. Advanced modeling of protein sequence and biophysical properties (such as structural, functional, and spatial information, amino acid conservation, physicochemical variation, residue mobility, and thermodynamic stability) performed at Invitae indicates that this missense variant is not expected to disrupt TEAD1 protein function.

NM_021961.6(TEAD1):c.1072A>G (p.Met358Val)

Gene: TEAD1 (TEA domain transcription factor 1; plus strand). Cytogenetic location: 11p15.3.
Variant type: single nucleotide variant.
Coding change: c.1072A>G on transcript NM_021961.6 (MANE Select); coding-DNA position 1072, A replaced by G.
Protein change: p.Met358Val; replaces methionine 358 with valine.
Molecular consequence: missense variant.
Genome position (GRCh38, 1-based): chr11:12,930,231, A>G. VCF-style: chr11-12930231-A-G. GRCh37 (hg19) VCF-style: chr11-12951778-A-G.
Other names: short protein forms M358V.
Identifiers: ClinVar variation 2130022 (VCV002130022.4), dbSNP rs764902614, ClinGen allele CA5891814.